The following is an entry in ClinVar:

NC_000014.8:g.(?_97319158)_(97322933_?)del

Gene: VRK1 (VRK serine/threonine kinase 1; plus strand). Cytogenetic location: 14q32.2.
Variant type: Deletion.
Identifiers: ClinVar variation 1460187 (VCV001460187.43).

ClinVar aggregate classification (germline): Pathogenic (1 of 4 stars; one submission).

Conditions:
Pontocerebellar hypoplasia type 1A (PCH1A). Also called: PONTOCEREBELLAR HYPOPLASIA WITH ANTERIOR HORN CELL DISEASE; PONTOCEREBELLAR HYPOPLASIA WITH INFANTILE SPINAL MUSCULAR ATROPHY. Identifiers: Orphanet 2254, Orphanet 88616, MedGen C1843504, MONDO:0011866, OMIM 607596.

Submission:

Labcorp Genetics (formerly Invitae), Labcorp
Classification: Pathogenic for Pontocerebellar hypoplasia type 1A. Last evaluated: 2022-03-26. Review status: criteria provided, single submitter. Criteria: Invitae Variant Classification Sherloc (09022015). Collection method: clinical testing. Allele origin: germline.
Comment: For these reasons, this variant has been classified as Pathogenic. This variant has not been reported in the literature in individuals affected with VRK1-related conditions. This variant is a gross deletion of the genomic region encompassing exon(s) 6-10 of the VRK1 gene. This deletion is out-of-frame, and is expected to create a premature termination codon and result in an absent or disrupted protein product. Loss-of-function variants in VRK1 are known to be pathogenic (PMID: 19646678, 24126608, 27281532).

Literature cited by the submitters: PubMed 19646678; PubMed 24126608; PubMed 27281532.